The following is an entry in ClinVar:

NM_006363.6(SEC23B):c.*278T>C

Gene: SEC23B (SEC23 homolog B, COPII component; plus strand). Cytogenetic location: 20p11.23.
Variant type: single nucleotide variant.
Coding change: c.*278T>C on transcript NM_006363.6 (MANE Select); 278 bases downstream of the stop codon, T replaced by C.
Molecular consequence: 3 prime UTR variant.
Genome position (GRCh38, 1-based): chr20:18,561,018, T>C. VCF-style: chr20-18561018-T-C. GRCh37 (hg19) VCF-style: chr20-18541662-T-C.
Other names: c.*278T>C (NM_001172745.3, NM_001172746.3, NM_032985.6 and 1 more transcripts).
Identifiers: ClinVar variation 899111 (VCV000899111.4), dbSNP rs564007974, ClinGen allele CA312418616.
Genomic context (GRCh38, chr20:18,561,018, plus strand): 5'-ATGTTTATGTGCTTTTTGTATCCTAACTTTTAGAATCTAAATAAAATCAGAGGTAATGTA[T>C]TTTGGCAGCTTGTTTAGGTGAGAATCTTAATGATCATAAAGGAAATAAATCTAGATGCAG-3'

ClinVar aggregate classification (germline): Likely benign (1 of 4 stars; one submission).

Conditions:
Congenital dyserythropoietic anemia, type II (CDAN2). Also called: DYSERYTHROPOIETIC ANEMIA, HEMPAS TYPE. Identifiers: Orphanet 98873, MedGen C1306589, MONDO:0009134, OMIM 224100.

Allele frequency attached by ClinVar (database versions not stated): gnomAD 0.00004 and 0.00034; TOPMed 0.00007; gnomAD exomes 0.00136; 1000 Genomes Project 30x 0.00203; 1000 Genomes Project 0.00220.
gnomAD v4.1: 391 of 409,766 alleles (0.095%); highest among the groups gnomAD compares: South Asian, 0.86%; 16 homozygotes.

Submission:

Illumina Laboratory Services, Illumina
Classification: Likely benign for Congenital dyserythropoietic anemia, type II. Last evaluated: 2018-01-12. Review status: criteria provided, single submitter. Criteria: ICSL Variant Classification Criteria 13 December 2019. Collection method: clinical testing. Allele origin: germline.
Comment: This variant was observed in the ICSL laboratory as part of a predisposition screen in an ostensibly healthy population. It had not been previously curated by ICSL or reported in the Human Gene Mutation Database (HGMD: prior to June 1st, 2018), and was therefore a candidate for classification through an automated scoring system. Utilizing variant allele frequency, disease prevalence and penetrance estimates, and inheritance mode, an automated score was calculated to assess if this variant is too frequent to cause the disease. Based on the score and internal cut-off values, a variant classified as likely benign is not then subjected to further curation. The score for this variant resulted in a classification of likely benign for this disease.